The following is an entry in ClinVar:

ClinVar aggregate classification (germline): Uncertain significance (1 of 4 stars; one submission).

Allele frequency attached by ClinVar (database versions not stated): gnomAD exomes below 0.00001 and 0.00001; TOPMed below 0.00001; gnomAD 0.00001; ExAC 0.00002; 1000 Genomes Project 30x 0.00016; 1000 Genomes Project 0.00020.

Submission:

Labcorp Genetics (formerly Invitae), Labcorp
Classification: Uncertain significance. Last evaluated: 2023-12-01. Review status: criteria provided, single submitter. Criteria: Invitae Variant Classification Sherloc (09022015). Collection method: clinical testing. Allele origin: germline.
Comment: This sequence change replaces histidine, which is basic and polar, with tyrosine, which is neutral and polar, at codon 1182 of the RAI1 protein (p.His1182Tyr). This variant is present in population databases (rs567365074, gnomAD 0.007%). This variant has not been reported in the literature in individuals affected with RAI1-related conditions. ClinVar contains an entry for this variant (Variation ID: 1428036). Advanced modeling of protein sequence and biophysical properties (such as structural, functional, and spatial information, amino acid conservation, physicochemical variation, residue mobility, and thermodynamic stability) performed at Invitae indicates that this missense variant is expected to disrupt RAI1 protein function with a positive predictive value of 80%. In summary, the available evidence is currently insufficient to determine the role of this variant in disease. Therefore, it has been classified as a Variant of Uncertain Significance.

NM_030665.4(RAI1):c.3544C>T (p.His1182Tyr)

Gene: RAI1 (retinoic acid induced 1; plus strand). Cytogenetic location: 17p11.2.
Variant type: single nucleotide variant.
Coding change: c.3544C>T on transcript NM_030665.4 (MANE Select); coding-DNA position 3544, C replaced by T.
Protein change: p.His1182Tyr; replaces histidine 1182 with tyrosine.
Molecular consequence: missense variant.
Genome position (GRCh38, 1-based): chr17:17,796,492, C>T. VCF-style: chr17-17796492-C-T. GRCh37 (hg19) VCF-style: chr17-17699806-C-T.
Other names: short protein forms H1182Y.
Identifiers: ClinVar variation 1428036 (VCV001428036.6), dbSNP rs567365074, ClinGen allele CA8418749.